The following is an entry in ClinVar:

ClinVar aggregate classification (germline): Benign (3 of 4 stars; one submission).

Conditions:
Breast-ovarian cancer, familial, susceptibility to, 1 (BROVCA1). Also called: BRCA1 Hereditary Breast and Ovarian Cancer; OVARIAN CANCER, SUSCEPTIBILITY TO. Identifiers: Orphanet 145, MedGen C2676676, MONDO:0011450, OMIM 604370. Disease mechanism: loss of function.

Allele frequency attached by ClinVar (database versions not stated): 1000 Genomes Project 30x 0.00031; 1000 Genomes Project 0.00040; gnomAD 0.00066 and 0.00075; TOPMed 0.00088.
gnomAD v4.1: 99 of 152,112 alleles (0.065%); highest among the groups gnomAD compares: African/African-American, 0.22%; no homozygotes.

Submission:

Evidence-based Network for the Interpretation of Germline Mutant Alleles (ENIGMA)
Classification: Benign for Breast-ovarian cancer, familial 1. Last evaluated: 2015-01-12. Review status: reviewed by expert panel. Criteria: ENIGMA BRCA1/2 Classification Criteria (2015). Collection method: curation. Allele origin: germline.
Comment: Class 1 not pathogenic based on frequency >1% in an outbred sampleset. Frequency 0.0122 (African), derived from 1000 genomes (2012-04-30).

NM_007294.4(BRCA1):c.81-1519G>A

Gene: BRCA1 (BRCA1 DNA repair associated; minus strand). Cytogenetic location: 17q21.31.
Variant type: single nucleotide variant.
Coding change: c.81-1519G>A on transcript NM_007294.4 (MANE Select); 1519 bases into the intron before coding-DNA position 81, G replaced by A.
Molecular consequence: intron variant.
Genome position (GRCh38, 1-based): chr17:43,117,298, C>T on the plus strand (G>A on the coding strand, the complement: BRCA1 is on the minus strand). VCF-style: chr17-43117298-C-T. GRCh37 (hg19) VCF-style: chr17-41269315-C-T.
Other names: IVS 2-1519G>A; c.-61-1519G>A (NM_001408458.1, NM_001408470.1, NM_001407848.1 and 47 more transcripts); c.-219+7979G>A (NM_001407967.1); c.-170+7979G>A (NM_001407959.1); c.-8+7979G>A (NM_001407931.1, NM_001407747.1); c.-223-1519G>A (NM_001407962.1, NM_001408512.1, NM_001408510.1 and 1 more transcripts); c.-108-1519G>A (NM_001407885.1, NM_001407886.1, NM_001408509.1 and 52 more transcripts); c.-177-1519G>A (NM_001407746.1, NM_001408468.1, NM_001407842.1 and 13 more transcripts); and 12 more.
Identifiers: ClinVar variation 209543 (VCV000209543.2), dbSNP rs138795459, ClinGen allele CA276512.
Genomic context (GRCh38, chr17:43,117,298, plus strand): 5'-TCCAGATCATCCTGGACAATATGGTGAAACCCTGTCTACGCTAAAAATACAAAAATTAGC[C>T]GGGCGTGGTGGCGCATGCCTGTGGTCTCAGCTACTTTGGAGACTAAGGTAGAAGGATCAC-3'